The following is an entry in ClinVar:

NM_000784.4(CYP27A1):c.389T>A (p.Met130Lys)

Gene: CYP27A1 (cytochrome P450 family 27 subfamily A member 1; plus strand). Cytogenetic location: 2q35.
Variant type: single nucleotide variant.
Coding change: c.389T>A on transcript NM_000784.4 (MANE Select); coding-DNA position 389, T replaced by A.
Protein change: p.Met130Lys; replaces methionine 130 with lysine.
Molecular consequence: missense variant.
Genome position (GRCh38, 1-based): chr2:218,809,710, T>A. VCF-style: chr2-218809710-T-A. GRCh37 (hg19) VCF-style: chr2-219674433-T-A.
Other names: c.389T>A (NM_000784.3); short protein forms M130K.
Identifiers: ClinVar variation 2674705 (VCV002674705.4), dbSNP rs1169227791, ClinGen allele CA350583513.
Genomic context (GRCh38, chr2:218,809,710, plus strand): 5'-GTGCCCCGCTCTTGGAGCAAGTGATGCGGCAAGAGGGCAAGTACCCAGTACGGAACGACA[T>A]GGAGCTATGGAAGGAGCACCGGGACCAGCACGACCTGACCTATGGGCCGTTCACCACGTG-3'
Protein context (NP_000775.1, residues 120-140): QEGKYPVRND[Met130Lys]ELWKEHRDQH

ClinVar aggregate classification (germline): Likely pathogenic. Review status: criteria provided, multiple submitters, no conflicts (2 of 4 stars). 3 submissions from 3 submitters: Likely pathogenic (3). Last evaluated 2025-09-15.

Conditions:
Cholestanol storage disease (CTX). Also called: CTX: Cerebrotendinous xanthomatosis; CEREBRAL CHOLESTERINOSIS; Cerebrotendinous Xanthomatosis. Identifiers: Orphanet 909, MedGen C0238052, MONDO:0008948, OMIM 213700.

Submissions (3):

Natera, Inc.
Classification: Likely pathogenic for Cerebrotendinous xanthomatosis. Last evaluated: 2025-09-15. Review status: criteria provided, single submitter. Criteria: Natera Variant Classification Schema (03/2026). Collection method: clinical testing. Allele origin: germline.
Comment: The c.389T>A variant in CYP27A1 is a missense variant predicted to cause substitution of methionine to lysine at amino acid 130. This variant is rare in the general population with a frequency below the threshold expected for the associated phenotype(s). This variant has been observed in one or more individuals affected with the associated recessive disease, as either homozygous or compound heterozygous with a second variant (PMID: 28937538, 31796091). Computational prediction algorithms indicate this variant is likely to affect gene or protein function. Given the available evidence, this variant is classified as Likely Pathogenic.

Baylor Genetics
Classification: Likely pathogenic for Cholestanol storage disease. Last evaluated: 2023-10-19. Review status: criteria provided, single submitter. Criteria: ACMG Guidelines, 2015. Collection method: clinical testing. Allele origin: unknown.

Juno Genomics, Hangzhou Juno Genomics, Inc
Classification: Likely pathogenic for Cholestanol storage disease. Review status: criteria provided, single submitter. Criteria: ACMG Guidelines, 2015. Collection method: clinical testing. Allele origin: germline.
Comment: Absent from controls (or at extremely low frequency if recessive) in Genome Aggregation Database.;Multiple lines of computational evidence support a deleterious effect on the gene or gene product.;For recessive disorders, detected in trans with a pathogenic variant.;Patient's phenotype or family history is highly specific for a disease with a single genetic etiology.

Literature cited by the submitters: PubMed 28937538 (cited by Natera, Inc.); PubMed 31796091 (cited by Natera, Inc.).